The following is an entry in ClinVar:

ClinVar aggregate classification (germline): Benign/Likely benign. Review status: criteria provided, multiple submitters, no conflicts (2 of 4 stars). 9 submissions from 5 submitters: Benign (6); Likely benign (3). Last evaluated 2026-01-28.

Conditions:
Brachydactyly. Also called: Brachydactyly syndrome; Brachydactyly (disease). Identifiers: MedGen C0221357, MONDO:0021004, HP:0001156.
Acromesomelic dysplasia 2B. Also called: DU PAN SYNDROME. Identifiers: Orphanet 2639, MedGen C1856738, MONDO:0009231, OMIM 228900.
Multiple synostoses syndrome 2 (SYNS2). Identifiers: Orphanet 3237, MedGen C1832708, MONDO:0012394, OMIM 610017.
Grebe syndrome. Also called: ACROMESOMELIC DYSPLASIA, GREBE TYPE; GREBE DYSPLASIA; ACROMESOMELIC DYSPLASIA 2A. Identifiers: Orphanet 2098, MedGen C0265260, MONDO:0008703, OMIM 200700.
Acromesomelic dysplasia 2C, Hunter-Thompson type. Also called: Acromesomelic dysplasia, Hunter-Thompson type. Identifiers: Orphanet 968, MedGen C2930970, MONDO:0008717, OMIM 201250.

Allele frequency attached by ClinVar (database versions not stated): gnomAD exomes 0.00044 and 0.00121; ExAC 0.00149; 1000 Genomes Project 30x 0.00406; 1000 Genomes Project 0.00419; ESP Exome Variant Server 0.00431; gnomAD 0.00499 and 0.00539; TOPMed 0.00542.

Submissions (9):

Labcorp Genetics (formerly Invitae), Labcorp
Classification: Benign. Last evaluated: 2026-01-28. Review status: criteria provided, single submitter. Criteria: Invitae Variant Classification Sherloc (09022015). Collection method: clinical testing. Allele origin: germline.

Blueprint Genetics
Classification: Likely benign. Last evaluated: 2024-11-20. Review status: criteria provided, single submitter. Criteria: ACMG Guidelines, 2015. Collection method: clinical testing. Allele origin: germline.

ARUP Laboratories, Molecular Genetics and Genomics, ARUP Laboratories
Classification: Likely benign. Last evaluated: 2021-09-01. Review status: criteria provided, single submitter. Criteria: ARUP Molecular Germline Variant Investigation Process 2021. Collection method: clinical testing. Allele origin: germline.

Illumina Laboratory Services, Illumina
Classification: Benign for Acromesomelic dysplasia 2C, Hunter-Thompson type. Last evaluated: 2018-01-13. Review status: criteria provided, single submitter. Criteria: ICSL Variant Classification Criteria 13 December 2019. Collection method: clinical testing. Allele origin: germline.
Comment: This variant was observed in the ICSL laboratory as part of a predisposition screen in an ostensibly healthy population. It had not been previously curated by ICSL or reported in the Human Gene Mutation Database (HGMD: prior to June 1st, 2018), and was therefore a candidate for classification through an automated scoring system. Utilizing variant allele frequency, disease prevalence and penetrance estimates, and inheritance mode, an automated score was calculated to assess if this variant is too frequent to cause the disease. Based on the score and internal cut-off values, a variant classified as benign is not then subjected to further curation. The score for this variant resulted in a classification of benign for this disease.

Illumina Laboratory Services, Illumina
Classification: Benign for Brachydactyly. Last evaluated: 2018-01-13. Review status: criteria provided, single submitter. Criteria: ICSL Variant Classification Criteria 13 December 2019. Collection method: clinical testing. Allele origin: germline.
Comment: the same text as in the submission from Illumina Laboratory Services, Illumina above.

Illumina Laboratory Services, Illumina
Classification: Benign for Multiple synostoses syndrome 2. Last evaluated: 2018-01-13. Review status: criteria provided, single submitter. Criteria: ICSL Variant Classification Criteria 13 December 2019. Collection method: clinical testing. Allele origin: germline.
Comment: the same text as in the submission from Illumina Laboratory Services, Illumina above.

Illumina Laboratory Services, Illumina
Classification: Benign for Fibular hypoplasia and complex brachydactyly. Last evaluated: 2018-01-13. Review status: criteria provided, single submitter. Criteria: ICSL Variant Classification Criteria 13 December 2019. Collection method: clinical testing. Allele origin: germline.
Comment: the same text as in the submission from Illumina Laboratory Services, Illumina above.

Illumina Laboratory Services, Illumina
Classification: Benign for Grebe syndrome. Last evaluated: 2018-01-13. Review status: criteria provided, single submitter. Criteria: ICSL Variant Classification Criteria 13 December 2019. Collection method: clinical testing. Allele origin: germline.
Comment: the same text as in the submission from Illumina Laboratory Services, Illumina above.

Breakthrough Genomics
Classification: Likely benign. Review status: criteria provided, single submitter. Criteria: ACMG Guidelines, 2015. Collection method: not provided. Allele origin: germline. Inheritance: Autosomal recessive inheritance. Affected: yes.

NM_000557.5(GDF5):c.349G>T (p.Ala117Ser)

Gene: GDF5 (growth differentiation factor 5; minus strand). Cytogenetic location: 20q11.22.
Variant type: single nucleotide variant.
Coding change: c.349G>T on transcript NM_000557.5 (MANE Select); coding-DNA position 349, G replaced by T.
Protein change: p.Ala117Ser; replaces alanine 117 with serine.
Molecular consequence: missense variant.
Genome position (GRCh38, 1-based): chr20:35,437,580, C>A on the plus strand (G>T on the coding strand, the complement: GDF5 is on the minus strand). VCF-style: chr20-35437580-C-A. GRCh37 (hg19) VCF-style: chr20-34025360-C-A.
Other names: c.349G>T, p.Ala117Ser (NM_001319138.2); short protein forms A117S.
Identifiers: ClinVar variation 338322 (VCV000338322.60), dbSNP rs151149144, ClinGen allele CA9832369.